The following is an entry in ClinVar:

NM_000277.3(PAH):c.789C>A (p.Phe263Leu)

Gene: PAH (phenylalanine hydroxylase; minus strand). Cytogenetic location: 12q23.2.
Variant type: single nucleotide variant.
Coding change: c.789C>A on transcript NM_000277.3 (MANE Select); coding-DNA position 789, C replaced by A.
Protein change: p.Phe263Leu; replaces phenylalanine 263 with leucine.
Molecular consequence: missense variant.
Genome position (GRCh38, 1-based): chr12:102,852,868, G>T on the plus strand (C>A on the coding strand, the complement: PAH is on the minus strand). VCF-style: chr12-102852868-G-T. GRCh37 (hg19) VCF-style: chr12-103246646-G-T.
Other names: c.789C>A, p.Phe263Leu (NM_001354304.2); short protein forms F263L.
Identifiers: ClinVar variation 1066686 (VCV001066686.7), dbSNP rs62642944, ClinGen allele CA386295393.

ClinVar aggregate classification (germline): Likely pathogenic (1 of 4 stars; one submission).

Conditions:
Phenylketonuria (PKU). Also called: Phenylketonurias; Phenylketonuria (PKU); OLIGOPHRENIA PHENYLPYRUVICA; FOLLING DISEASE. Identifiers: Orphanet 716, MedGen C0031485, MONDO:0009861, OMIM 261600. Disease mechanism: loss of function.

Submission:

Labcorp Genetics (formerly Invitae), Labcorp
Classification: Likely pathogenic for Phenylketonuria. Last evaluated: 2020-06-10. Review status: criteria provided, single submitter. Criteria: Invitae Variant Classification Sherloc (09022015). Collection method: clinical testing. Allele origin: germline.
Comment: This sequence change replaces phenylalanine with leucine at codon 263 of the PAH protein (p.Phe263Leu). The phenylalanine residue is highly conserved and there is a small physicochemical difference between phenylalanine and leucine. This variant is not present in population databases (ExAC no frequency). This missense change has been observed in individual(s) with hyperphenylalaninemia (PMID: 7844888, 26600521). In at least one individual the data is consistent with the variant being in trans (on the opposite chromosome) from a pathogenic variant. Algorithms developed to predict the effect of missense changes on protein structure and function are either unavailable or do not agree on the potential impact of this missense change (SIFT: "Not Available"; PolyPhen-2: "Possibly Damaging"; Align-GVGD: "Not Available"). This variant disrupts the p.Phe263 amino acid residue in PAH. Other variant(s) that disrupt this residue have been determined to be pathogenic (PMID: 23357515, 31208052). This suggests that this residue is clinically significant, and that variants that disrupt this residue are likely to be disease-causing. In summary, the currently available evidence indicates that the variant is pathogenic, but additional data are needed to prove that conclusively. Therefore, this variant has been classified as Likely Pathogenic.

Literature cited by the submitters: PubMed 7844888; PubMed 26600521; PubMed 23357515; PubMed 31208052.